The following is an entry in ClinVar:

ClinVar aggregate classification (germline): Uncertain significance (1 of 4 stars; one submission).

Conditions:
Amyotrophic lateral sclerosis type 15. Also called: AMYOTROPHIC LATERAL SCLEROSIS 15 WITH FRONTOTEMPORAL DEMENTIA. Identifiers: Orphanet 803, MedGen C3275459, MONDO:0010459, OMIM 300857.

Submission:

Department Of Medical Genetics, Apollo Hospitals
Classification: Uncertain significance for Amyotrophic lateral sclerosis type 15. Last evaluated: 2025-05-13. Review status: criteria provided, single submitter. Criteria: ACMG Guidelines, 2015. Collection method: clinical testing. Allele origin: unknown. Inheritance: X-linked dominant inheritance. Affected: yes. Observed: 1 hemizygote.
Comment: The identified variant falls within the PXX repeat domain in which different Proline substitutions have been reported as causative of Amyotrophic lateral sclerosis 15 (ALS15). ACMG Criteria - PM2, PM1

Literature cited by the submitters: PubMed 21857683; PubMed 24771548.

NM_013444.4(UBQLN2):c.1512A>G (p.Ile504Met)

Gene: UBQLN2 (ubiquilin 2; plus strand). Cytogenetic location: Xp11.21.
Variant type: single nucleotide variant.
Coding change: c.1512A>G on transcript NM_013444.4 (MANE Select); coding-DNA position 1512, A replaced by G.
Protein change: p.Ile504Met; replaces isoleucine 504 with methionine.
Molecular consequence: missense variant.
Genome position (GRCh38, 1-based): chrX:56,565,385, A>G. VCF-style: chrX-56565385-A-G. GRCh37 (hg19) VCF-style: chrX-56591818-A-G.
Other names: short protein forms I504M.
Identifiers: ClinVar variation 3900050 (VCV003900050.1).